The following is an entry in ClinVar:

NM_002691.4(POLD1):c.2082G>A (p.Lys694=)

Gene: POLD1 (DNA polymerase delta 1, catalytic subunit; plus strand). Cytogenetic location: 19q13.33.
Variant type: single nucleotide variant.
Coding change: c.2082G>A on transcript NM_002691.4 (MANE Select); coding-DNA position 2082, G replaced by A.
Protein change: p.Lys694=; no amino-acid change (lysine 694 retained).
Molecular consequence: synonymous variant. On other transcripts: non-coding transcript variant (1).
Genome position (GRCh38, 1-based): chr19:50,409,594, G>A. VCF-style: chr19-50409594-G-A. GRCh37 (hg19) VCF-style: chr19-50912851-G-A.
Other names: c.2082G>A (NM_002691.2); c.2082G>A, p.Lys694= (NM_001256849.1); c.2160G>A, p.Lys720= (NM_001308632.1).
Identifiers: ClinVar variation 2719823 (VCV002719823.4), dbSNP rs2122387650, ClinGen allele CA508185714.

ClinVar aggregate classification (germline): Uncertain significance. Review status: criteria provided, multiple submitters, no conflicts (2 of 4 stars). 2 submissions from 2 submitters: Uncertain significance (2). Last evaluated 2025-03-24.

Conditions:
Hereditary cancer-predisposing syndrome. Also called: Tumor predisposition; Hereditary Cancer Syndrome; Hereditary neoplastic syndrome; Neoplastic Syndromes, Hereditary. Identifiers: Orphanet 140162, MedGen C0027672, MeSH D009386, MONDO:0015356.
POLD1-related polyposis and colorectal cancer syndrome (CRCS10). Also called: Colorectal cancer 10; Colorectal cancer, susceptibility to, 10; COLORECTAL CANCER, SUSCEPTIBILITY TO, ON CHROMOSOME 19q. Identifiers: Orphanet 220460, MedGen C2675481, MONDO:0012953, OMIM 612591.

Allele frequency attached by ClinVar (database versions not stated): gnomAD exomes below 0.00001.
gnomAD v4.1: 1 of 1,613,326 alleles (0.000062%); highest among the groups gnomAD compares: East Asian, 0.0022%; no homozygotes.

Submissions (2):

Ambry Genetics
Classification: Uncertain significance for Hereditary cancer-predisposing syndrome. Last evaluated: 2025-03-24. Review status: criteria provided, single submitter. Criteria: Ambry Variant Classification Scheme 2023. Collection method: clinical testing. Allele origin: germline.
Comment: The c.2082G>A variant (also known as p.K694K), located in coding exon 16 of the POLD1 gene, results from a G to A substitution at nucleotide position 2082. This nucleotide substitution does not change the lysine at codon 694. This nucleotide position is poorly conserved in available vertebrate species. In silico splice site analysis predicts that this alteration may result in the creation or strengthening of a novel splice donor site. Based on the available evidence, the clinical significance of this variant remains unclear.

Labcorp Genetics (formerly Invitae), Labcorp
Classification: Uncertain significance for POLD1-related polyposis and colorectal cancer syndrome. Last evaluated: 2023-10-03. Review status: criteria provided, single submitter. Criteria: Invitae Variant Classification Sherloc (09022015). Collection method: clinical testing. Allele origin: germline.
Comment: This sequence change affects codon 694 of the POLD1 mRNA. It is a 'silent' change, meaning that it does not change the encoded amino acid sequence of the POLD1 protein. This variant is not present in population databases (gnomAD no frequency). This variant has not been reported in the literature in individuals affected with POLD1-related conditions. RNA analysis provides insufficient evidence to determine the effect of this variant on POLD1 splicing (Invitae). In summary, the available evidence is currently insufficient to determine the role of this variant in disease. Therefore, it has been classified as a Variant of Uncertain Significance.